The following is an entry in ClinVar:

ClinVar aggregate classification (germline): Uncertain significance. Review status: criteria provided, multiple submitters, no conflicts (2 of 4 stars). 2 submissions from 2 submitters: Uncertain significance (2). Last evaluated 2025-04-10.

Allele frequency attached by ClinVar (database versions not stated): gnomAD 0.00002; ESP Exome Variant Server 0.00008.
gnomAD v4.1: 26 of 1,612,728 alleles (0.0016%); highest among the groups gnomAD compares: African/African-American, 0.004%; no homozygotes.

Submissions (2):

Ambry Genetics
Classification: Uncertain significance. Last evaluated: 2025-04-10. Review status: criteria provided, single submitter. Criteria: Ambry Variant Classification Scheme 2023. Collection method: clinical testing. Allele origin: germline.

Labcorp Genetics (formerly Invitae), Labcorp
Classification: Uncertain significance. Last evaluated: 2022-02-21. Review status: criteria provided, single submitter. Criteria: Invitae Variant Classification Sherloc (09022015). Collection method: clinical testing. Allele origin: germline.
Comment: Algorithms developed to predict the effect of missense changes on protein structure and function (SIFT, PolyPhen-2, Align-GVGD) all suggest that this variant is likely to be tolerated. In summary, the available evidence is currently insufficient to determine the role of this variant in disease. Therefore, it has been classified as a Variant of Uncertain Significance. This variant has not been reported in the literature in individuals affected with SORL1-related conditions. This variant is present in population databases (rs373776945, gnomAD 0.007%). This sequence change replaces serine, which is neutral and polar, with threonine, which is neutral and polar, at codon 1598 of the SORL1 protein (p.Ser1598Thr).

NM_003105.6(SORL1):c.4793G>C (p.Ser1598Thr)

Gene: SORL1 (sortilin related receptor 1; plus strand). Cytogenetic location: 11q24.1.
Variant type: single nucleotide variant.
Coding change: c.4793G>C on transcript NM_003105.6 (MANE Select); coding-DNA position 4793, G replaced by C.
Protein change: p.Ser1598Thr; replaces serine 1598 with threonine.
Molecular consequence: missense variant.
Genome position (GRCh38, 1-based): chr11:121,605,416, G>C. VCF-style: chr11-121605416-G-C. GRCh37 (hg19) VCF-style: chr11-121476125-G-C.
Other names: c.4793G>C (NM_003105.5); short protein forms S1598T.
Identifiers: ClinVar variation 2100938 (VCV002100938.5), dbSNP rs373776945, ClinGen allele CA229873790.
Genomic context (GRCh38, chr11:121,605,416, plus strand): 5'-CCATGCTGCTCCAGTGTGACAATATCTTTATTTTTTTTTGGGCCAGGGTGGTTGGAGAGA[G>C]CATATGGAAGACTCTGGAGACCCACAGCAATAAGACAAACACTGTATTAAAAGTCTTGAA-3'
Protein context (NP_003096.2, residues 1588-1608): YNVYYRVVGE[Ser1598Thr]IWKTLETHSN